The following is an entry in ClinVar:

NM_004360.5(CDH1):c.1424T>G (p.Val475Gly)

Gene: CDH1 (cadherin 1; plus strand). Cytogenetic location: 16q22.1.
Variant type: single nucleotide variant.
Coding change: c.1424T>G on transcript NM_004360.5 (MANE Select); coding-DNA position 1424, T replaced by G.
Protein change: p.Val475Gly; replaces valine 475 with glycine.
Molecular consequence: missense variant. On other transcripts: 5 prime UTR variant (2).
Genome position (GRCh38, 1-based): chr16:68,815,618, T>G. VCF-style: chr16-68815618-T-G. GRCh37 (hg19) VCF-style: chr16-68849521-T-G.
Other names: c.1241T>G, p.Val414Gly (NM_001317184.2); c.-125T>G (NM_001317185.2); c.-396T>G (NM_001317186.2); short protein forms V414G, V475G.
Identifiers: ClinVar variation 2860117 (VCV002860117.3), dbSNP rs1060501217, ClinGen allele CA396462978.
Genomic context (GRCh38, chr16:68,815,618, plus strand): 5'-CAGTGACGAATGTGGTACCTTTTGAGGTCTCTCTCACCACCTCCACAGCCACCGTCACCG[T>G]GGATGTGCTGGATGTGAATGAAGCCCCCATCTTTGTGCCTCCTGAAAAGAGAGTGGAAGT-3'
Protein context (NP_004351.1, residues 465-485): SLTTSTATVT[Val475Gly]DVLDVNEAPI

ClinVar aggregate classification (germline): Uncertain significance (1 of 4 stars; one submission).

Conditions:
Hereditary diffuse gastric adenocarcinoma (HDGC). Also called: DIFFUSE GASTRIC AND LOBULAR BREAST CANCER SYNDROME. Identifiers: Orphanet 26106, MedGen C1708349, MONDO:0007648, OMIM 137215.

Submission:

Labcorp Genetics (formerly Invitae), Labcorp
Classification: Uncertain significance for Hereditary diffuse gastric adenocarcinoma. Last evaluated: 2023-04-28. Review status: criteria provided, single submitter. Criteria: Invitae Variant Classification Sherloc (09022015). Collection method: clinical testing. Allele origin: germline.
Comment: In summary, the available evidence is currently insufficient to determine the role of this variant in disease. Therefore, it has been classified as a Variant of Uncertain Significance. An algorithm developed to predict the effect of missense changes on protein structure and function (PolyPhen-2) suggests that this variant is likely to be disruptive. This missense change has been observed in individual(s) with gastric cancer (Invitae). This variant is not present in population databases (gnomAD no frequency). This sequence change replaces valine, which is neutral and non-polar, with glycine, which is neutral and non-polar, at codon 475 of the CDH1 protein (p.Val475Gly).